The following continues an entry in ClinVar:

NM_006005.3(WFS1):c.2020G>A (p.Gly674Arg)

Gene: WFS1. ClinVar aggregate classification (germline): Conflicting classifications of pathogenicity. Pathogenic (9); Likely pathogenic (12); Uncertain significance (2).

Submissions 8 to 25 of 25:

Labcorp Genetics (formerly Invitae), Labcorp
Classification: Pathogenic. Last evaluated: 2025-11-25. Review status: criteria provided, single submitter. Criteria: Invitae Variant Classification Sherloc (09022015). Collection method: clinical testing. Allele origin: germline.
Comment: This sequence change replaces glycine, which is neutral and non-polar, with arginine, which is basic and polar, at codon 674 of the WFS1 protein (p.Gly674Arg). This variant is present in population databases (rs200672755, gnomAD 0.04%). This missense change has been observed in individuals with autosomal recessive Wolfram syndrome (PMID: 22238590, 25211237, 31391115). It has also been observed to segregate with disease in related individuals. ClinVar contains an entry for this variant (Variation ID: 215394). Invitae Evidence Modeling of protein sequence and biophysical properties (such as structural, functional, and spatial information, amino acid conservation, physicochemical variation, residue mobility, and thermodynamic stability) indicates that this missense variant is expected to disrupt WFS1 protein function with a positive predictive value of 95%. For these reasons, this variant has been classified as Pathogenic.

Genomic Medicine Center of Excellence, King Faisal Specialist Hospital and Research Centre
Classification: Likely pathogenic for Wolfram syndrome 1. Last evaluated: 2025-09-10. Review status: criteria provided, single submitter. Criteria: ACMG Guidelines, 2015. Collection method: clinical testing. Allele origin: germline.

Variantyx, Inc.
Classification: Pathogenic for Wolfram syndrome 1. Last evaluated: 2025-03-25. Review status: criteria provided, single submitter. Criteria: Variantyx Assertion Criteria 2022. Collection method: clinical testing. Allele origin: germline. Inheritance: Autosomal recessive inheritance.
Comment: This is a nonsynonymous variant in the WFS1 gene (OMIM: 606201). Pathogenic variants in this gene have been associated with autosomal recessive Wolfram syndrome 1. This variant has been reported in the homozygous or compound heterozygous state in several unrelated affected individuals (PMID:11317350, 34573359, 31850070, 29563951, 31391115, 37974252) (PM3). and it has been observed to segregate with disease in at least 9 individuals from 4 families (PMID: 31850070, 24909696, 31391115, 37974252) (PP1_Moderate). Moreover, an alternate amino acid change at this position (p.Gly674Glu) has been previously reported in similarly affected individuals, which suggests that this residue is biologically important (PM5). Multiple computational algorithms predict a deleterious effect for this variant (REVEL score: 0.944) (PP3). This variant has a 0.0345% maximum allele frequency in non-founder control populations (PM2). Based on the current evidence, this variant is classified as pathogenic for autosomal recessive Wolfram syndrome 1.

First Genomix Gene Laboratory, Genetic Diagnostics Department
Classification: Pathogenic for Wolfram syndrome 1. Last evaluated: 2025-01-16. Review status: criteria provided, single submitter. Criteria: ACMG Guidelines, 2015. Collection method: clinical testing. Allele origin: germline. Inheritance: Autosomal recessive inheritance. Affected: no. Observed: 1 variant allele.

Blueprint Genetics
Classification: Uncertain significance. Last evaluated: 2024-10-30. Review status: criteria provided, single submitter. Criteria: ACMG Guidelines, 2015. Collection method: clinical testing. Allele origin: germline.

Fulgent Genetics
Classification: Likely pathogenic for Cataract 41; Type 2 diabetes mellitus; Wolfram syndrome 1; Autosomal dominant nonsyndromic hearing loss 6; Wolfram-like syndrome. Last evaluated: 2024-06-19. Review status: criteria provided, single submitter. Criteria: ACMG Guidelines, 2015. Collection method: clinical testing. Allele origin: germline.

Institute of Human Genetics, University of Leipzig Medical Center
Classification: Pathogenic for Wolfram-like syndrome. Last evaluated: 2024-02-22. Review status: criteria provided, single submitter. Criteria: ACMG Guidelines, 2015. Collection method: clinical testing. Allele origin: unknown. Inheritance: Autosomal dominant inheritance. Affected: yes.
Comment: Criteria applied: PM3_VSTR,PM5_STR,PS4_MOD,PM1,PP3

Mayo Clinic Laboratories, Mayo Clinic
Classification: Pathogenic. Last evaluated: 2023-07-31. Review status: criteria provided, single submitter. Criteria: ACMG Guidelines, 2015. Collection method: clinical testing. Allele origin: germline. Observed: 1 variant allele.
Comment: PP1, PP3, PP4, PM2_moderate, PM3_strong, PS4_moderate

MGZ Medical Genetics Center
Classification: Likely pathogenic for Wolfram syndrome 1. Last evaluated: 2022-07-19. Review status: criteria provided, single submitter. Criteria: ACMG Guidelines, 2015. Collection method: clinical testing. Allele origin: germline. Affected: yes. Observed: 1 variant allele.
Comment: ACMG criteria applied: PS4_MOD, PM3, PP1, PP3

Victorian Clinical Genetics Services, Murdoch Childrens Research Institute
Classification: Pathogenic for Wolfram syndrome 1. Last evaluated: 2022-02-02. Review status: criteria provided, single submitter. Criteria: ACMG Guidelines, 2015. Collection method: clinical testing. Allele origin: germline. Inheritance: Autosomal recessive inheritance. Affected: yes.
Comment: Based on the classification scheme VCGS_Germline_v1.3.4, this variant is classified as Pathogenic. Following criteria are met: 0102 - Loss of function is a known mechanism of disease in this gene and is associated with autosomal recessive Wolfram syndrome 1 (MIM#222300), and a dominant negative mechanism has also been suggested for heterozygous missense variants causing autosomal dominant Wolfram-like syndrome (MIM#614296). (I) 0108 - This gene is associated with both recessive and dominant disease. Wolfram syndrome 1 (MIM#222300) is recessive, whereas Wolfram-like syndrome (MIM#614296) is inherited in a dominant manner (OMIM). (I) 0200 - Variant is predicted to result in a missense amino acid change from glycine to arginine. (I) 0251 - This variant is heterozygous. (I) 0304 - Variant is present in gnomAD (v2) <0.01 for a recessive condition (65 heterozygotes, 0 homozygotes). (SP) 0501 - Missense variant consistently predicted to be damaging by multiple in silico tools or highly conserved with a major amino acid change. (SP) 0600 - Variant is located in the annotated Wolframin cysteine-rich domain (DECIPHER). (I) 0703 - Other missense variants comparable to the one identified in this case have moderate previous evidence for pathogenicity. Alternative changes to a glutamic acid, a valine and a tryptophan have been reported in individuals with sensorineural hearing loss (PMID: 12073007, 34258273). (SP) 0801 - This variant has strong previous evidence of pathogenicity in unrelated individuals. This variant has been reported in multiple individuals with Wolfram syndrome (ClinVar, PMID: 22238590, 25211237, 31850070). It has also been reported as VUS in ClinVar and in a family with nonsydromic hearing loss (PMID: 24909696). (SP) 1208 - Inheritance information for this variant is not currently available in this individual. (I) Legend: (SP) - Supporting pathogenic, (I) - Information, (SB) - Supporting benign

Institute of Human Genetics, Univ. Regensburg, Univ. Regensburg
Classification: Likely pathogenic for Optic atrophy. Last evaluated: 2022-01-01. Review status: criteria provided, single submitter. Criteria: ACMG Guidelines, 2015. Collection method: clinical testing. Allele origin: germline. Affected: yes.

Institute of Human Genetics, Univ. Regensburg, Univ. Regensburg
Classification: Likely pathogenic for Retinal dystrophy. Last evaluated: 2022-01-01. Review status: criteria provided, single submitter. Criteria: ACMG Guidelines, 2015. Collection method: clinical testing. Allele origin: germline. Affected: yes.

Department of Otolaryngology – Head & Neck Surgery, Cochlear Implant Center
Classification: Likely pathogenic for Hearing impairment. Last evaluated: 2021-04-12. Review status: criteria provided, single submitter. Criteria: ClinGen HL ACMG Specifications v1. Collection method: clinical testing. Allele origin: germline. Affected: yes.
Comment: PS1_Strong, PM5_Moderate, PP3_Supporting

Laboratory for Molecular Medicine, Mass General Brigham Personalized Medicine
Classification: Uncertain significance. Last evaluated: 2018-04-10. Review status: criteria provided, single submitter. Criteria: LMM Criteria. Collection method: clinical testing. Allele origin: germline. Observed: 1 variant allele.
Comment: The p.Gly674Arg variant has been previously reported in an individual with Wolfr am syndrome and an individual with hearing loss (de Heredia 2013, Hakli 2014); h owever, this variant is also present in 0.02% (62/276372) of the total chromosom es in the Genome Aggregation Database (gnomAD; dbSNP rs200672755). Two missense variants at the same position (Gly674Glu and G ly674Val) have been reported to segregate in families with hearing loss (Cryns 2 002). Computational prediction tools and conservation analysis suggest that thi s variant may impact the protein, though this information is not predictive enou gh to determine pathogenicity. In summary, due to conflicting evidence, the clin ical significance of the p.Gly674Arg variant is uncertain. ACMG/AMP Criteria app lied: PP3; PM5; BS1_Supporting.

Genomic Research Center, Shahid Beheshti University of Medical Sciences
Classification: Likely pathogenic. Last evaluated: 2017-12-03. Review status: criteria provided, single submitter. Criteria: ACMG Guidelines, 2015. Collection method: clinical testing. Allele origin: inherited. Affected: yes.

Juno Genomics, Hangzhou Juno Genomics, Inc
Classification: Likely pathogenic for Wolfram syndrome 1. Review status: criteria provided, single submitter. Criteria: ACMG Guidelines, 2015. Collection method: clinical testing. Allele origin: germline.
Comment: Absent from controls (or at extremely low frequency if recessive) in Genome Aggregation Database.;Multiple lines of computational evidence support a deleterious effect on the gene or gene product.;For recessive disorders, detected in trans with a pathogenic variant.;Co-segregation with disease in multiple affected family members.;Patient's phenotype or family history is highly specific for a disease with a single genetic etiology.

Laboratory of Prof. Karen Avraham, Tel Aviv University
Classification: Pathogenic for Wolfram syndrome 1. Last evaluated: 2021-11-25. Review status: no assertion criteria provided. Collection method: research. Allele origin: germline. Affected: yes. Not counted in ClinVar's aggregate classification.
Comment: Compound heterozygossity with NM_006005.3:c.1088A>C. Congenital low-tone HL. Teenage onset mild vision problem.

Constantin Polychronakos Laboratory, The Research Institute of the McGill University Health Centre
Classification: Pathogenic for Diabetes mellitus. Review status: no assertion criteria provided. Collection method: research. Allele origin: paternal. Inheritance: Autosomal recessive inheritance. Affected: yes. Study: T1DGC. Not counted in ClinVar's aggregate classification.
Comment: PS1 PM2, PM5, PP3 PP5

Literature cited by the submitters: PubMed 11161832 (cited by Ambry Genetics and Mayo Clinic Laboratories, Mayo Clinic); PubMed 22238590 (cited by 5 submitters); PubMed 24909696 (cited by 6 submitters); PubMed 25211237 (cited by 4 submitters); PubMed 27395765 (cited by Ambry Genetics and Mayo Clinic Laboratories, Mayo Clinic); PubMed 28518168 (cited by Ambry Genetics); PubMed 29563951 (cited by 4 submitters); PubMed 31343797 (cited by 3 submitters); PubMed 31391115 (cited by 6 submitters); PubMed 31765440 (cited by Ambry Genetics and Mayo Clinic Laboratories, Mayo Clinic); PubMed 31850070 (cited by 4 submitters); PubMed 32461654 (cited by Ambry Genetics); PubMed 34789499 (cited by Ambry Genetics and Institute of Human Genetics, Univ. Regensburg, Univ. Regensburg); PubMed 36098976 (cited by 3 submitters); PubMed 37974252 (cited by Ambry Genetics and Variantyx, Inc.); PubMed 39423307 (cited by Ambry Genetics); uncertain (cited by Clinical Genomics Laboratory, Washington University in St. Louis); PubMed 11317350 (cited by 5 submitters); PubMed 34573359 (cited by Variantyx, Inc. and Institute of Human Genetics, Univ. Regensburg, Univ. Regensburg); PubMed 1850070 (cited by Variantyx, Inc.); PubMed 12073007 (cited by 3 submitters); PubMed 23429432 (cited by Mayo Clinic Laboratories, Mayo Clinic and Laboratory for Molecular Medicine, Mass General Brigham Personalized Medicine); PubMed 34258273 (cited by Victorian Clinical Genetics Services, Murdoch Childrens Research Institute); PubMed 31589614 (cited by Institute of Human Genetics, Univ. Regensburg, Univ. Regensburg); PubMed 31264968 (cited by Institute of Human Genetics, Univ. Regensburg, Univ. Regensburg); PubMed 33841295 (cited by Institute of Human Genetics, Univ. Regensburg, Univ. Regensburg); PubMed 36208030 (cited by Institute of Human Genetics, Univ. Regensburg, Univ. Regensburg); PubMed 36147510 (cited by Institute of Human Genetics, Univ. Regensburg, Univ. Regensburg).